The following is an entry in ClinVar:

NM_020987.5(ANK3):c.6541G>T (p.Gly2181Trp)

Gene: ANK3 (ankyrin 3; minus strand). Cytogenetic location: 10q21.2.
Variant type: single nucleotide variant.
Coding change: c.6541G>T on transcript NM_020987.5 (MANE Select); coding-DNA position 6541, G replaced by T.
Protein change: p.Gly2181Trp; replaces glycine 2181 with tryptophan.
Molecular consequence: missense variant. On other transcripts: intron variant (4).
Genome position (GRCh38, 1-based): chr10:60,074,340, C>A on the plus strand (G>T on the coding strand, the complement: ANK3 is on the minus strand). VCF-style: chr10-60074340-C-A. GRCh37 (hg19) VCF-style: chr10-61834098-C-A.
Other names: c.4387+6197G>T (NM_001204403.2); c.4408+6197G>T (NM_001204404.2); c.4405+6197G>T (NM_001320874.2); c.1807+6197G>T (NM_001149.4); c.6541G>T (NM_020987.4); short protein forms G2181W.
Identifiers: ClinVar variation 2311976 (VCV002311976.7), dbSNP rs368258557, ClinGen allele CA5511866.

ClinVar aggregate classification (germline): Conflicting classifications of pathogenicity. Review status: criteria provided, conflicting classifications (1 of 4 stars). 4 submissions from 4 submitters: Uncertain significance (1); Likely benign (2). 1 of the submissions does not count toward it. Last evaluated 2026-09-01.

Conditions:
ANK3-related disorder. Also called: ANK3-related condition.
Inborn genetic diseases. Identifiers: MedGen C0950123, MeSH D030342.

Allele frequency attached by ClinVar (database versions not stated): TOPMed 0.00006; ESP Exome Variant Server 0.00008; gnomAD 0.00016; gnomAD exomes 0.00028; ExAC 0.00063; 1000 Genomes Project 30x 0.00078; 1000 Genomes Project 0.00080.
gnomAD v4.1: 424 of 1,613,938 alleles (0.026%); highest among the groups gnomAD compares: South Asian, 0.39%; 5 homozygotes.

Submissions (4):

CeGaT Center for Human Genetics Tuebingen
Classification: Likely benign. Last evaluated: 2026-09-01. Review status: criteria provided, single submitter. Criteria: CeGaT Center For Human Genetics Tuebingen Variant Classification Criteria Version 2. Collection method: clinical testing. Allele origin: germline. Affected: yes. Observed: 1 variant allele.
Comment: ANK3: BP4, BS2

Labcorp Genetics (formerly Invitae), Labcorp
Classification: Likely benign. Last evaluated: 2025-12-29. Review status: criteria provided, single submitter. Criteria: Invitae Variant Classification Sherloc (09022015). Collection method: clinical testing. Allele origin: germline.

Ambry Genetics
Classification: Uncertain significance for Inborn genetic diseases. Last evaluated: 2022-03-16. Review status: criteria provided, single submitter. Criteria: Ambry Variant Classification Scheme 2023. Collection method: clinical testing. Allele origin: germline.

PreventionGenetics, part of Exact Sciences
Classification: Likely benign for ANK3-related condition. Last evaluated: 2022-08-15. Review status: no assertion criteria provided. Collection method: clinical testing. Allele origin: germline. Not counted in ClinVar's aggregate classification.
Comment: This variant is classified as likely benign based on ACMG/AMP sequence variant interpretation guidelines (Richards et al. 2015 PMID: 25741868, with internal and published modifications).